The following is an entry in ClinVar:

NM_201384.3(PLEC):c.6757G>A (p.Ala2253Thr)

Gene: PLEC (plectin; minus strand). Cytogenetic location: 8q24.3.
Variant type: single nucleotide variant.
Coding change: c.6757G>A on transcript NM_201384.3 (MANE Select); coding-DNA position 6757, G replaced by A.
Protein change: p.Ala2253Thr; replaces alanine 2253 with threonine.
Molecular consequence: missense variant.
Genome position (GRCh38, 1-based): chr8:143,923,172, C>T on the plus strand (G>A on the coding strand, the complement: PLEC is on the minus strand). VCF-style: chr8-143923172-C-T. GRCh37 (hg19) VCF-style: chr8-144997340-C-T.
Other names: c.6838G>A, p.Ala2280Thr (NM_000445.5); c.6715G>A, p.Ala2239Thr (NM_201378.4); c.6691G>A, p.Ala2231Thr (NM_201379.3); c.7168G>A, p.Ala2390Thr (NM_201380.4); c.6661G>A, p.Ala2221Thr (NM_201381.3); c.6757G>A, p.Ala2253Thr (NM_201382.4); c.6769G>A, p.Ala2257Thr (NM_201383.3); short protein forms A2221T, A2231T, A2239T, A2253T, A2257T, A2280T, A2390T.
Identifiers: ClinVar variation 93076 (VCV000093076.42), dbSNP rs62641756, ClinGen allele CA146527.

ClinVar aggregate classification (germline): Benign/Likely benign. Review status: criteria provided, multiple submitters, no conflicts (2 of 4 stars). 7 submissions from 7 submitters: Benign (2); Likely benign (5). Last evaluated 2026-01-27.

Conditions:
Epidermolysis bullosa simplex with nail dystrophy (EBS5D). Identifiers: MedGen C4225309, MONDO:0014661, OMIM 616487.
Epidermolysis bullosa simplex 5C, with pyloric atresia (EBS5C). Also called: PLEC-Related Epidermolysis Bullosa with Pyloric Atresia; Epidermolysis bullosa simplex with pyloric atresia; PLEC1-Related Epidermolysis Bullosa with Pyloric Atresia. Identifiers: Orphanet 158684, MedGen C2677349, MONDO:0012807, OMIM 612138.
Epidermolysis bullosa simplex 5B, with muscular dystrophy (EBS5B). Also called: EPIDERMOLYSIS BULLOSA SIMPLEX AND LIMB-GIRDLE MUSCULAR DYSTROPHY; Epidermolysis bullosa simplex with muscular dystrophy. Identifiers: Orphanet 257, MedGen C2931072, MONDO:0009181, OMIM 226670.
Autosomal recessive limb-girdle muscular dystrophy type 2Q (LGMDR17). Also called: MUSCULAR DYSTROPHY, LIMB-GIRDLE, AUTOSOMAL RECESSIVE 17. Identifiers: Orphanet 254361, MedGen C3150989, MONDO:0013390, OMIM 613723.
Epidermolysis bullosa simplex, Ogna type (EBS5A). Also called: Pidermolysis bullosa simplex 5A, Ogna type; EPIDERMOLYSIS BULLOSA SIMPLEX 5A, OGNA TYPE. Identifiers: Orphanet 79401, MedGen C0432317, MONDO:0007555, OMIM 131950.

Allele frequency attached by ClinVar (database versions not stated): gnomAD exomes 0.00049 and 0.00103; gnomAD 0.00401 and 0.00379; TOPMed 0.00404; ExAC 0.00116; ESP Exome Variant Server 0.00262; 1000 Genomes Project 30x 0.00375; 1000 Genomes Project 0.00379.
gnomAD v4.1: 1,315 of 1,602,544 alleles (0.082%); highest among the groups gnomAD compares: African/African-American, 1.2%; 10 homozygotes.

Submissions (7):

Labcorp Genetics (formerly Invitae), Labcorp
Classification: Benign for Autosomal recessive limb-girdle muscular dystrophy type 2Q; Epidermolysis bullosa simplex, Ogna type; Epidermolysis bullosa simplex with nail dystrophy; Epidermolysis bullosa simplex 5C, with pyloric atresia; Epidermolysis bullosa simplex 5B, with muscular dystrophy. Last evaluated: 2026-01-27. Review status: criteria provided, single submitter. Criteria: Invitae Variant Classification Sherloc (09022015). Collection method: clinical testing. Allele origin: germline.

CeGaT Center for Human Genetics Tuebingen
Classification: Likely benign. Last evaluated: 2026-01-01. Review status: criteria provided, single submitter. Criteria: CeGaT Center For Human Genetics Tuebingen Variant Classification Criteria Version 2. Collection method: clinical testing. Allele origin: germline. Affected: yes. Observed: 6 variant alleles.
Comment: PLEC: BP4, BS1

Blueprint Genetics
Classification: Likely benign. Last evaluated: 2024-11-18. Review status: criteria provided, single submitter. Criteria: ACMG Guidelines, 2015. Collection method: clinical testing. Allele origin: germline.

GeneDx
Classification: Likely benign. Last evaluated: 2021-05-26. Review status: criteria provided, single submitter. Criteria: GeneDx Variant Classification Process June 2021. Collection method: clinical testing. Allele origin: germline. Affected: yes.

Athena Diagnostics
Classification: Likely benign. Last evaluated: 2016-11-21. Review status: criteria provided, single submitter. Criteria: Athena Diagnostics Criteria. Collection method: clinical testing. Allele origin: germline.

Eurofins Ntd Llc (ga)
Classification: Benign. Last evaluated: 2015-09-15. Review status: criteria provided, single submitter. Criteria: EGL Classification Definitions 2015. Collection method: clinical testing. Allele origin: germline. Observed: 1 variant allele, 1 heterozygote.

Breakthrough Genomics
Classification: Likely benign. Review status: criteria provided, single submitter. Criteria: ACMG Guidelines, 2015. Collection method: not provided. Allele origin: germline. Inheritance: Autosomal recessive inheritance. Affected: yes.